The following is an entry in ClinVar:

ClinVar aggregate classification (germline): Uncertain significance (1 of 4 stars; one submission).

Conditions:
Idiopathic generalized epilepsy. Also called: Generalised epilepsy; EIG. Identifiers: MedGen C0270850, MONDO:0005579, OMIM 600669.

Submission:

Labcorp Genetics (formerly Invitae), Labcorp
Classification: Uncertain significance for Idiopathic generalized epilepsy. Last evaluated: 2024-03-12. Review status: criteria provided, single submitter. Criteria: Invitae Variant Classification Sherloc (09022015). Collection method: clinical testing. Allele origin: germline.
Comment: This sequence change replaces phenylalanine, which is neutral and non-polar, with cysteine, which is neutral and slightly polar, at codon 241 of the GABRD protein (p.Phe241Cys). This variant is not present in population databases (gnomAD no frequency). This variant has not been reported in the literature in individuals affected with GABRD-related conditions. An algorithm developed to predict the effect of missense changes on protein structure and function (PolyPhen-2) suggests that this variant is likely to be disruptive. In summary, the available evidence is currently insufficient to determine the role of this variant in disease. Therefore, it has been classified as a Variant of Uncertain Significance.

NM_000815.5(GABRD):c.722T>G (p.Phe241Cys)

Gene: GABRD (gamma-aminobutyric acid type A receptor subunit delta; plus strand). Cytogenetic location: 1p36.33.
Variant type: single nucleotide variant.
Coding change: c.722T>G on transcript NM_000815.5 (MANE Select); coding-DNA position 722, T replaced by G.
Protein change: p.Phe241Cys; replaces phenylalanine 241 with cysteine.
Molecular consequence: missense variant.
Genome position (GRCh38, 1-based): chr1:2,029,141, T>G. VCF-style: chr1-2029141-T-G. GRCh37 (hg19) VCF-style: chr1-1960580-T-G.
Other names: short protein forms F241C.
Identifiers: ClinVar variation 3644395 (VCV003644395.2).
Genomic context (GRCh38, chr1:2,029,141, plus strand): 5'-TGGGGGCACTGACGGTGGCTGTCCTGGCAGCTGGCCAGTTCCCACGGCTCAGCCTGCACT[T>G]CCACCTGCGGAGGAACCGCGGCGTGTACATCATCCAATCCTACATGCCCTCCGTCCTGCT-3'
Protein context (NP_000806.2, residues 231-251): AGQFPRLSLH[Phe241Cys]HLRRNRGVYI